The following is an entry in ClinVar:

ClinVar aggregate classification (germline): Uncertain significance (1 of 4 stars; one submission).

Conditions:
Melnick-Needles syndrome (MNS). Also called: MELNICK-NEEDLES OSTEODYSPLASTY; OSTEODYSPLASTY OF MELNICK AND NEEDLES; Melnick-Needles Syndrome (FLNA-MNS). Identifiers: Orphanet 2484, MedGen C0025237, MONDO:0010650, OMIM 309350.
Frontometaphyseal dysplasia (FMD1). Identifiers: Orphanet 1826, MedGen C0265293, MONDO:0015942.
Heterotopia, periventricular, X-linked dominant (PVNH1). Also called: PERIVENTRICULAR NODULAR HETEROTOPIA 1; X-linked periventricular heterotopia; PERIVENTRICULAR NODULAR HETEROTOPIA 4; HETEROTOPIA, PERIVENTRICULAR, 1. Identifiers: Orphanet 2149, Orphanet 82004, MedGen C1848213, MONDO:0010233, OMIM 300049.
Oto-palato-digital syndrome, type II (OPD2). Also called: FACIOPALATOOSSEOUS SYNDROME; OPD II SYNDROME; Otopalatodigital Syndrome, Type II; Otopalatodigital Syndrome Type 2 (FLNA-OPD2). Identifiers: Orphanet 669, Orphanet 90652, MedGen C1844696, MONDO:0010571, OMIM 304120.

gnomAD v4.1: 4 of 1,210,871 alleles (0.00033%); highest among the groups gnomAD compares: Non-Finnish European, 0.00045%; no homozygotes.

Submission:

Labcorp Genetics (formerly Invitae), Labcorp
Classification: Uncertain significance for Oto-palato-digital syndrome, type II; Heterotopia, periventricular, X-linked dominant; Frontometaphyseal dysplasia; Melnick-Needles syndrome. Last evaluated: 2024-03-27. Review status: criteria provided, single submitter. Criteria: Invitae Variant Classification Sherloc (09022015). Collection method: clinical testing. Allele origin: germline.
Comment: This sequence change replaces threonine, which is neutral and polar, with isoleucine, which is neutral and non-polar, at codon 1350 of the FLNA protein (p.Thr1350Ile). This variant is not present in population databases (gnomAD no frequency). This variant has not been reported in the literature in individuals affected with FLNA-related conditions. Advanced modeling of protein sequence and biophysical properties (such as structural, functional, and spatial information, amino acid conservation, physicochemical variation, residue mobility, and thermodynamic stability) performed at Invitae indicates that this missense variant is not expected to disrupt FLNA protein function with a negative predictive value of 95%. In summary, the available evidence is currently insufficient to determine the role of this variant in disease. Therefore, it has been classified as a Variant of Uncertain Significance.

NM_001110556.2(FLNA):c.4049C>T (p.Thr1350Ile)

Gene: FLNA (filamin A; minus strand). Cytogenetic location: Xq28.
Variant type: single nucleotide variant.
Coding change: c.4049C>T on transcript NM_001110556.2 (MANE Select); coding-DNA position 4049, C replaced by T.
Protein change: p.Thr1350Ile; replaces threonine 1350 with isoleucine.
Molecular consequence: missense variant.
Genome position (GRCh38, 1-based): chrX:154,359,577, G>A on the plus strand (C>T on the coding strand, the complement: FLNA is on the minus strand). VCF-style: chrX-154359577-G-A. GRCh37 (hg19) VCF-style: chrX-153587945-G-A.
Other names: c.4049C>T, p.Thr1350Ile (NM_001456.4); short protein forms T1350I.
Identifiers: ClinVar variation 3753988 (VCV003753988.2).
Genomic context (GRCh38, chrX:154,359,577, plus strand): 5'-GTGGTGCCACTTTGGATGCCTGGCCCGTGGACACGCACCCGGGAGGGGTCGCAGCCCTCG[G>A]TCACGGGCACCTGGAAGGGGCTGCTGGGCACGGGACTGCCGTCATAGGTCACGTCCACGG-3'
Protein context (NP_001104026.1, residues 1340-1360): VPSSPFQVPV[Thr1350Ile]EGCDPSRVRV